The following is an entry in ClinVar:

NM_002417.5(MKI67):c.9283C>T (p.Arg3095Cys)

Gene: MKI67 (marker of proliferation Ki-67; minus strand). Cytogenetic location: 10q26.2.
Variant type: single nucleotide variant.
Coding change: c.9283C>T on transcript NM_002417.5 (MANE Select); coding-DNA position 9283, C replaced by T.
Protein change: p.Arg3095Cys; replaces arginine 3095 with cysteine.
Molecular consequence: missense variant.
Genome position (GRCh38, 1-based): chr10:128,101,680, G>A on the plus strand (C>T on the coding strand, the complement: MKI67 is on the minus strand). VCF-style: chr10-128101680-G-A. GRCh37 (hg19) VCF-style: chr10-129899944-G-A.
Other names: c.8203C>T, p.Arg2735Cys (NM_001145966.2); short protein forms R2735C, R3095C.
Identifiers: ClinVar variation 2367659 (VCV002367659.4), dbSNP rs754001305, ClinGen allele CA5745766.

ClinVar aggregate classification (germline): Uncertain significance (1 of 4 stars; one submission).

Allele frequency attached by ClinVar (database versions not stated): TOPMed 0.00005; ExAC 0.00008; gnomAD 0.00009.
gnomAD v4.1: 122 of 1,602,434 alleles (0.0076%); highest among the groups gnomAD compares: Middle Eastern, 0.033%; 1 homozygote.

Submission:

Ambry Genetics
Classification: Uncertain significance. Last evaluated: 2026-07-01. Review status: criteria provided, single submitter. Criteria: Ambry Variant Classification Scheme 2023. Collection method: clinical testing. Allele origin: germline.
Comment: The p.R3095C variant (also known as c.9283C>T), located in coding exon 13 of the MKI67 gene, results from a C to T substitution at nucleotide position 9283. The arginine at codon 3095 is replaced by cysteine, an amino acid with highly dissimilar properties. This amino acid position is conserved. In addition, this alteration is predicted to be tolerated by in silico analysis. Based on the available evidence, the clinical significance of this variant remains unclear.